The following is an entry in ClinVar:

NM_001563.4(IMPG1):c.809T>A (p.Met270Lys)

Gene: IMPG1 (interphotoreceptor matrix proteoglycan 1; minus strand). Cytogenetic location: 6q14.1.
Variant type: single nucleotide variant.
Coding change: c.809T>A on transcript NM_001563.4 (MANE Select); coding-DNA position 809, T replaced by A.
Protein change: p.Met270Lys; replaces methionine 270 with lysine.
Molecular consequence: missense variant.
Genome position (GRCh38, 1-based): chr6:76,011,223, A>T on the plus strand (T>A on the coding strand, the complement: IMPG1 is on the minus strand). VCF-style: chr6-76011223-A-T. GRCh37 (hg19) VCF-style: chr6-76720940-A-T.
Other names: c.575T>A, p.Met192Lys (NM_001282368.2); short protein forms M192K, M270K.
Identifiers: ClinVar variation 1428591 (VCV001428591.8), dbSNP rs2149479827, ClinGen allele CA364776888.

ClinVar aggregate classification (germline): Uncertain significance (1 of 4 stars; one submission).

Submission:

Labcorp Genetics (formerly Invitae), Labcorp
Classification: Uncertain significance. Last evaluated: 2025-01-13. Review status: criteria provided, single submitter. Criteria: Invitae Variant Classification Sherloc (09022015). Collection method: clinical testing. Allele origin: germline.
Comment: This sequence change replaces methionine, which is neutral and non-polar, with lysine, which is basic and polar, at codon 270 of the IMPG1 protein (p.Met270Lys). This variant is not present in population databases (gnomAD no frequency). This variant has not been reported in the literature in individuals affected with IMPG1-related conditions. ClinVar contains an entry for this variant (Variation ID: 1428591). An algorithm developed to predict the effect of missense changes on protein structure and function (PolyPhen-2) suggests that this variant is likely to be disruptive. In summary, the available evidence is currently insufficient to determine the role of this variant in disease. Therefore, it has been classified as a Variant of Uncertain Significance.